The following is an entry in ClinVar:

NM_013403.3(STRN4):c.135T>G (p.Gly45=)

Genes: FKRP (fukutin related protein; plus strand), STRN4 (striatin 4; minus strand). Cytogenetic location: 19q13.32.
Variant type: single nucleotide variant.
Coding change: c.135T>G on transcript NM_013403.3 (MANE Select); coding-DNA position 135, T replaced by G.
Protein change: p.Gly45=; no amino-acid change (glycine 45 retained).
Molecular consequence: synonymous variant. On other transcripts: intron variant (2).
Genome position (GRCh38, 1-based): chr19:46,746,296, A>C on the plus strand (T>G on the coding strand, the complement: STRN4 is on the minus strand). VCF-style: chr19-46746296-A-C. GRCh37 (hg19) VCF-style: chr19-47249553-A-C.
Other names: c.135T>G, p.Gly45= (NM_001039877.2); c.-305+206A>C (NM_001039885.3); c.-253+206A>C (NM_024301.5).
Identifiers: ClinVar variation 4084357 (VCV004084357.8).

ClinVar aggregate classification (germline): Likely benign (1 of 4 stars; one submission).

Submission:

CeGaT Center for Human Genetics Tuebingen
Classification: Likely benign. Last evaluated: 2025-07-01. Review status: criteria provided, single submitter. Criteria: CeGaT Center For Human Genetics Tuebingen Variant Classification Criteria Version 2. Collection method: clinical testing. Allele origin: germline. Affected: yes. Observed: 1 variant allele.
Comment: STRN4: BP4, BP7